The following is an entry in ClinVar:

ClinVar aggregate classification (germline): Uncertain significance (1 of 4 stars; one submission).

Conditions:
Aortic aneurysm, familial thoracic 7 (AAT7). Also called: AORTIC DISSECTION, FAMILIAL, WITH OR WITHOUT AORTIC ANEURYSM. Identifiers: MedGen C3151077, MONDO:0013418, OMIM 613780.

gnomAD v4.1: 2 of 1,614,204 alleles (0.00012%); highest among the groups gnomAD compares: Non-Finnish European, 0.00017%; no homozygotes.

Submission:

Labcorp Genetics (formerly Invitae), Labcorp
Classification: Uncertain significance for Aortic aneurysm, familial thoracic 7. Last evaluated: 2025-08-22. Review status: criteria provided, single submitter. Criteria: Invitae Variant Classification Sherloc (09022015). Collection method: clinical testing. Allele origin: germline.
Comment: This sequence change replaces arginine, which is basic and polar, with methionine, which is neutral and non-polar, at codon 373 of the MYLK protein (p.Arg373Met). This variant is not present in population databases (gnomAD no frequency). This variant has not been reported in the literature in individuals affected with MYLK-related conditions. Invitae Evidence Modeling of protein sequence and biophysical properties (such as structural, functional, and spatial information, amino acid conservation, physicochemical variation, residue mobility, and thermodynamic stability) indicates that this missense variant is not expected to disrupt MYLK protein function with a negative predictive value of 95%. In summary, the available evidence is currently insufficient to determine the role of this variant in disease. Therefore, it has been classified as a Variant of Uncertain Significance.

NM_053025.4(MYLK):c.1118G>T (p.Arg373Met)

Gene: MYLK (myosin light chain kinase; minus strand). Cytogenetic location: 3q21.1.
Variant type: single nucleotide variant.
Coding change: c.1118G>T on transcript NM_053025.4 (MANE Select); coding-DNA position 1118, G replaced by T.
Protein change: p.Arg373Met; replaces arginine 373 with methionine.
Molecular consequence: missense variant.
Genome position (GRCh38, 1-based): chr3:123,733,878, C>A on the plus strand (G>T on the coding strand, the complement: MYLK is on the minus strand). VCF-style: chr3-123733878-C-A. GRCh37 (hg19) VCF-style: chr3-123452725-C-A.
Other names: c.590G>T, p.Arg197Met (NM_001321309.2); c.1118G>T, p.Arg373Met (NM_053026.4, NM_053027.4, NM_053028.4); short protein forms R197M, R373M.
Identifiers: ClinVar variation 4769976 (VCV004769976.1).